The following is an entry in ClinVar:

ClinVar aggregate classification (germline): Benign. Review status: reviewed by expert panel (3 of 4 stars). 2 submissions from 2 submitters: Benign (1). 1 of the submissions does not count toward it. Last evaluated 2020-05-13.

Conditions:
Hereditary thrombocytopenia and hematologic cancer predisposition syndrome. Identifiers: Orphanet 71290, MedGen CN281654, MONDO:0011071.
Hereditary thrombocytopenia and hematological cancer predisposition syndrome associated with RUNX1. Also called: PLATELET DISORDER, ASPIRIN-LIKE; RUNX1 Familial Platelet Disorder with Associated Myeloid Malignancies; Familial Platelet Disorder with Propensity to Acute Myelogenous Leukemia; Familial thrombocytopenia with propensity to acute myelogenous leukemia. Identifiers: Orphanet 71290, MedGen C1832388, MeSH C563324, MONDO:0100083, OMIM 601399.

Allele frequency attached by ClinVar (database versions not stated): gnomAD exomes 0.00946; gnomAD 0.04218 and 0.04517; 1000 Genomes Project 0.04293; TOPMed 0.04678; 1000 Genomes Project 30x 0.04685.
gnomAD v4.1: 7,155 of 229,568 alleles (3.1%); highest among the groups gnomAD compares: African/African-American, 15%; 492 homozygotes.

Submissions (2):

ClinGen Myeloid Malignancy Variant Curation Expert Panel
Classification: Benign for Hereditary thrombocytopenia and hematologic cancer predisposition syndrome. Last evaluated: 2020-05-13. Review status: reviewed by expert panel. Criteria: ClinGen MyeloMalig ACMG Specifications v1. Collection method: curation. Allele origin: germline. Inheritance: Autosomal dominant inheritance.
Comment: The NM_001754.4:c.*559T>C variant in the 3' UTR has an MAF of 0.1451 (14.5%; 1261/8690 alleles) in the African subpopulation of the gnomAD v2.1.1 cohort and is >= 0.0015 (0.15%) (BA1). This variant is detected in a homozygous state in 415 individuals in the gnomAD v3 population database (BP2). In summary, this variant meets criteria to be classified as benign. ACMG/AMP criteria applied, as specified by the Myeloid Malignancy Variant Curation Expert Panel for RUNX1: BA1, BP2.

Illumina Laboratory Services, Illumina
Classification: Benign for Hereditary thrombocytopenia and hematological cancer predisposition syndrome associated with RUNX1. Last evaluated: 2018-01-12. Review status: criteria provided, single submitter. Criteria: ICSL Variant Classification Criteria 13 December 2019. Collection method: clinical testing. Allele origin: germline. Not counted in ClinVar's aggregate classification.
Comment: This variant was observed in the ICSL laboratory as part of a predisposition screen in an ostensibly healthy population. It had not been previously curated by ICSL or reported in the Human Gene Mutation Database (HGMD: prior to June 1st, 2018), and was therefore a candidate for classification through an automated scoring system. Utilizing variant allele frequency, disease prevalence and penetrance estimates, and inheritance mode, an automated score was calculated to assess if this variant is too frequent to cause the disease. Based on the score and internal cut-off values, a variant classified as benign is not then subjected to further curation. The score for this variant resulted in a classification of benign for this disease.

NM_001754.5(RUNX1):c.*559T>C

Gene: RUNX1 (RUNX family transcription factor 1; minus strand). Cytogenetic location: 21q22.12.
Variant type: single nucleotide variant.
Coding change: c.*559T>C on transcript NM_001754.5 (MANE Select); 559 bases downstream of the stop codon, T replaced by C.
Molecular consequence: 3 prime UTR variant.
Genome position (GRCh38, 1-based): chr21:34,791,576, A>G on the plus strand (T>C on the coding strand, the complement: RUNX1 is on the minus strand). VCF-style: chr21-34791576-A-G. GRCh37 (hg19) VCF-style: chr21-36163873-A-G.
Other names: c.*559T>C (NM_001001890.3, NM_001754.4).
Identifiers: ClinVar variation 339863 (VCV000339863.6), dbSNP rs73362827, ClinGen allele CA10644641.